The following is an entry in ClinVar:

Conditions:
Breast-ovarian cancer, familial, susceptibility to, 1 (BROVCA1). Also called: BRCA1 Hereditary Breast and Ovarian Cancer; OVARIAN CANCER, SUSCEPTIBILITY TO. Identifiers: Orphanet 145, MedGen C2676676, MONDO:0011450, OMIM 604370. Disease mechanism: loss of function.

Submission:

Brotman Baty Institute, University of Washington
No classification provided (evidence only). Condition: Breast-ovarian cancer, familial 1. Review status: no classification provided. Collection method: in vitro. Allele origin: not applicable. Functional consequence: functionally_abnormal.
ClinVar note: "not provided" was previously submitted as the classification for the variant. However, the classification appeared to be based only on an observation of functional data so it was converted to no classification on 2025-07-30.

NM_007294.4(BRCA1):c.44T>A (p.Ile15Asn)

Gene: BRCA1 (BRCA1 DNA repair associated; minus strand). Cytogenetic location: 17q21.31.
Variant type: single nucleotide variant.
Coding change: c.44T>A on transcript NM_007294.4 (MANE Select); coding-DNA position 44, T replaced by A.
Protein change: p.Ile15Asn; replaces isoleucine 15 with asparagine.
Molecular consequence: missense variant. On other transcripts: 5 prime UTR variant (1), non-coding transcript variant (1).
Genome position (GRCh38, 1-based): chr17:43,124,053, A>T on the plus strand (T>A on the coding strand, the complement: BRCA1 is on the minus strand). VCF-style: chr17-43124053-A-T. GRCh37 (hg19) VCF-style: chr17-41276070-A-T.
Other names: c.-145T>A (NM_001407853.1, NM_001407879.1, NM_001407882.1 and 46 more transcripts); c.44T>A, p.Ile15Asn (NM_001407854.1, NM_001407858.1, NM_001407859.1 and 193 more transcripts); c.-91T>A (NM_001407881.1, NM_001407898.1, NM_001407902.1); c.-261T>A (NM_001407889.1, NM_001408492.1); c.-264T>A (NM_001407917.1, NM_001407954.1, NM_001408513.1); c.-243T>A (NM_001407920.1, NM_001407697.1, NM_001407846.1); c.-217T>A (NM_001407921.1, NM_001407923.1, NM_001407927.1 and 22 more transcripts); c.-44T>A (NM_001407924.1, NM_001407925.1, NM_001407928.1 and 23 more transcripts); and 8 more; short protein forms I15N.
Identifiers: ClinVar variation 867710 (VCV000867710.3), dbSNP rs80357316, ClinGen allele CA10602072.
Genomic context (GRCh38, chr17:43,124,053, plus strand): 5'-TAATACACTCTTGTGCTGACTTACCAGATGGGACACTCTAAGATTTTCTGCATAGCATTA[A>T]TGACATTTTGTACTTCTTCAACGCGAAGAGCAGATAAATCCATTTCTTTCTGTTCCAATG-3'
Protein context (NP_009225.1, residues 5-25): ALRVEEVQNV[Ile15Asn]NAMQKILECP